The following is an entry in ClinVar:

ClinVar aggregate classification (germline): Uncertain significance. Review status: criteria provided, single submitter (1 of 4 stars). 2 submissions from 2 submitters: Uncertain significance (1). 1 of the submissions does not count toward it. Last evaluated 2022-12-08.

Conditions:
A2ML1-related disorder. Also called: A2ML1-related condition.

Allele frequency attached by ClinVar (database versions not stated): gnomAD exomes 0.00001; TOPMed 0.00001.

Submissions (2):

Labcorp Genetics (formerly Invitae), Labcorp
Classification: Uncertain significance. Last evaluated: 2022-12-08. Review status: criteria provided, single submitter. Criteria: Invitae Variant Classification Sherloc (09022015). Collection method: clinical testing. Allele origin: germline.
Comment: This variant has not been reported in the literature in individuals affected with A2ML1-related conditions. In summary, the available evidence is currently insufficient to determine the role of this variant in disease. Therefore, it has been classified as a Variant of Uncertain Significance. Experimental studies and prediction algorithms are not available or were not evaluated, and the functional significance of this variant is currently unknown. This variant is present in population databases (no rsID available, gnomAD 0.006%). This sequence change creates a premature translational stop signal (p.Phe1144Tyrfs*16) in the A2ML1 gene. It is expected to result in an absent or disrupted protein product. However, the current clinical and genetic evidence is not sufficient to establish whether loss-of-function variants in A2ML1 cause disease.

PreventionGenetics, part of Exact Sciences
Classification: Uncertain significance for A2ML1-related condition. Last evaluated: 2024-07-03. Review status: no assertion criteria provided. Collection method: clinical testing. Allele origin: germline. Not counted in ClinVar's aggregate classification.
Comment: The A2ML1 c.3427_3430dupATTT variant is predicted to result in a frameshift and premature protein termination (p.Phe1144Tyrfs*16). To our knowledge, this variant has not been reported in the literature. This variant is reported in 0.0058% of alleles in individuals of Latino descent in gnomAD. At this time, the clinical significance of this variant is uncertain due to the absence of conclusive functional and genetic evidence.

NM_144670.6(A2ML1):c.3427_3430dup (p.Phe1144fs)

Gene: A2ML1 (alpha-2-macroglobulin like 1; plus strand). Cytogenetic location: 12p13.31.
Variant type: Duplication.
Coding change: c.3427_3430dup on transcript NM_144670.6 (MANE Select); coding-DNA positions 3427 to 3430, 4 bases duplicated (ATTT; older notation c.3427_3430dupATTT).
Protein change: p.Phe1144fs; shifts the reading frame from phenylalanine 1144.
Molecular consequence: frameshift variant.
Genome position (GRCh38, 1-based): chr12:8,861,222-8,861,225, ATTT duplicated. VCF-style (leftmost placement, unchanged base first): chr12-8861221-C-CATTT. GRCh37 (hg19) VCF-style: chr12-9013817-C-CATTT.
Other names: c.3427_3430dupATTT (NM_144670.5); c.1954_1957dup, p.Phe653fs (NM_001282424.3); short protein forms F653fs, F1144fs.
Identifiers: ClinVar variation 2911140 (VCV002911140.4), dbSNP rs1341025903, ClinGen allele CA603490626.
Genomic context (GRCh38, chr12:8,861,221, plus strand): 5'-GTGTCTCAAGAATTCGGCCACCTCCACGACCAACCTCTACACACAGGCCCTGTTGGCTTA[C>CATTT]ATTTTCTCCCTGGCTGGGGAAATGGACATCAGAAACATTCTCCTTAAACAGTTAGATCAA-3'